The following is an entry in ClinVar:

ClinVar aggregate classification (germline): Uncertain significance (1 of 4 stars; one submission).

Conditions:
Exostoses, multiple, type 2 (EXT2). Also called: EXOSTOSES, MULTIPLE, TYPE II; Hereditary Multiple Osteochondromatosis, Type II. Identifiers: Orphanet 321, MedGen C1851413, MONDO:0007586, OMIM 133701.

Allele frequency attached by ClinVar (database versions not stated): ExAC 0.00001; gnomAD exomes 0.00001; TOPMed 0.00001.
gnomAD v4.1: 3 of 1,614,174 alleles (0.00019%); highest among the groups gnomAD compares: Admixed American, 0.005%; no homozygotes.

Submission:

Labcorp Genetics (formerly Invitae), Labcorp
Classification: Uncertain significance for Exostoses, multiple, type 2. Last evaluated: 2025-05-18. Review status: criteria provided, single submitter. Criteria: Invitae Variant Classification Sherloc (09022015). Collection method: clinical testing. Allele origin: germline.
Comment: This sequence change replaces isoleucine, which is neutral and non-polar, with threonine, which is neutral and polar, at codon 537 of the EXT2 protein (p.Ile537Thr). This variant is present in population databases (rs766600182, gnomAD 0.006%). This variant has not been reported in the literature in individuals affected with EXT2-related conditions. ClinVar contains an entry for this variant (Variation ID: 1345340). Invitae Evidence Modeling of protein sequence and biophysical properties (such as structural, functional, and spatial information, amino acid conservation, physicochemical variation, residue mobility, and thermodynamic stability) has been performed for this missense variant. However, the output from this modeling did not meet the statistical confidence thresholds required to predict the impact of this variant on EXT2 protein function. In summary, the available evidence is currently insufficient to determine the role of this variant in disease. Therefore, it has been classified as a Variant of Uncertain Significance.

NM_207122.2(EXT2):c.1610T>C (p.Ile537Thr)

Gene: EXT2 (exostosin glycosyltransferase 2; plus strand). Cytogenetic location: 11p11.2.
Variant type: single nucleotide variant.
Coding change: c.1610T>C on transcript NM_207122.2 (MANE Select); coding-DNA position 1610, T replaced by C.
Protein change: p.Ile537Thr; replaces isoleucine 537 with threonine.
Molecular consequence: missense variant.
Genome position (GRCh38, 1-based): chr11:44,206,907, T>C. VCF-style: chr11-44206907-T-C. GRCh37 (hg19) VCF-style: chr11-44228457-T-C.
Other names: c.1709T>C, p.Ile570Thr (NM_000401.3); c.1640T>C, p.Ile547Thr (NM_001178083.3); c.1610T>C, p.Ile537Thr (NM_001389628.1, NM_001389630.1); short protein forms I537T, I547T, I570T.
Identifiers: ClinVar variation 1345340 (VCV001345340.6), dbSNP rs766600182, ClinGen allele CA5955302.